The following is an entry in ClinVar:

ClinVar aggregate classification (germline): Benign/Likely benign. Review status: criteria provided, multiple submitters, no conflicts (2 of 4 stars). 3 submissions from 3 submitters: Benign (1); Likely benign (2). Last evaluated 2026-05-17.

Conditions:
Hereditary cancer-predisposing syndrome. Also called: Hereditary Cancer Syndrome; Neoplastic Syndromes, Hereditary; Hereditary neoplastic syndrome; Tumor predisposition. Identifiers: Orphanet 140162, MedGen C0027672, MeSH D009386, MONDO:0015356.
Familial cancer of breast. Also called: BREAST CANCER, FAMILIAL; Hereditary breast cancer; hereditary breast carcinoma. Identifiers: Orphanet 227535, MedGen C0346153, MONDO:0016419, OMIM 114480. Disease mechanism: loss of function.

Allele frequency attached by ClinVar (database versions not stated): gnomAD 0.00001; TOPMed below 0.00001.
gnomAD v4.1: 1 of 1,613,304 alleles (0.000062%); highest among the groups gnomAD compares: Non-Finnish European, 0.000085%; no homozygotes.

Submissions (3):

Ambry Genetics
Classification: Likely benign for Hereditary cancer-predisposing syndrome. Last evaluated: 2026-05-17. Review status: criteria provided, single submitter. Criteria: Ambry Variant Classification Scheme 2023. Collection method: clinical testing. Allele origin: germline.

Myriad Genetics, Inc.
Classification: Benign for Familial cancer of breast. Last evaluated: 2025-01-22. Review status: criteria provided, single submitter. Criteria: Myriad Autosomal Dominant, Autosomal Recessive and X-Linked Classification Criteria (2023). Collection method: clinical testing. Allele origin: unknown.
Comment: This variant is considered benign. This variant is a silent/synonymous amino acid change and it is not expected to impact splicing.

Labcorp Genetics (formerly Invitae), Labcorp
Classification: Likely benign for Familial cancer of breast. Last evaluated: 2021-10-08. Review status: criteria provided, single submitter. Criteria: Invitae Variant Classification Sherloc (09022015). Collection method: clinical testing. Allele origin: germline.

NM_024675.4(PALB2):c.3357G>A (p.Leu1119=)

Gene: PALB2 (partner and localizer of BRCA2; minus strand). Cytogenetic location: 16p12.2.
Variant type: single nucleotide variant.
Coding change: c.3357G>A on transcript NM_024675.4 (MANE Select); coding-DNA position 3357, G replaced by A.
Protein change: p.Leu1119=; no amino-acid change (leucine 1119 retained).
Molecular consequence: synonymous variant.
Genome position (GRCh38, 1-based): chr16:23,603,663, C>T on the plus strand (G>A on the coding strand, the complement: PALB2 is on the minus strand). VCF-style: chr16-23603663-C-T. GRCh37 (hg19) VCF-style: chr16-23614984-C-T.
Other names: c.3357G>A (NM_024675.3).
Identifiers: ClinVar variation 1609031 (VCV001609031.11), dbSNP rs1966406468, ClinGen allele CA494173834.
Genomic context (GRCh38, chr16:23,603,663, plus strand): 5'-AATGGCAATTGTTCCAGAAGTCAAGATTGCTGCTGCACAGTGATCTTTCACGTCACCTTC[C>T]AGGAACCTGATAGCATACAAAGAAGATATAATTCAGATTACATATCCAAAAAACAATTAA-3'
Protein context (NP_078951.2, residues 1109-1129): CLPPGQAGRF[Leu1119=]EGDVKDHCAA